The following is an entry in ClinVar:

ClinVar aggregate classification (germline): Uncertain significance (1 of 4 stars; one submission).

Conditions:
SKI-related disorder. Also called: SKI-related condition.

Submission:

PreventionGenetics, part of Exact Sciences
Classification: Uncertain significance for SKI-related condition. Last evaluated: 2026-06-30. Review status: criteria provided, single submitter. Criteria: ACMG Guidelines, 2015. Collection method: clinical testing. Allele origin: germline.
Comment: The SKI c.992C>T variant is predicted to result in the amino acid substitution p.Ser331Phe. To our knowledge, this variant has not been reported in the literature or in a large population database (gnomAD), indicating this variant is rare. At this time, the clinical significance of this variant is uncertain due to the absence of conclusive functional and genetic evidence.

NM_003036.4(SKI):c.992C>T (p.Ser331Phe)

Gene: SKI (SKI proto-oncogene; plus strand). Cytogenetic location: 1p36.32.
Variant type: single nucleotide variant.
Coding change: c.992C>T on transcript NM_003036.4 (MANE Select); coding-DNA position 992, C replaced by T.
Protein change: p.Ser331Phe; replaces serine 331 with phenylalanine.
Molecular consequence: missense variant.
Genome position (GRCh38, 1-based): chr1:2,303,000, C>T. VCF-style: chr1-2303000-C-T. GRCh37 (hg19) VCF-style: chr1-2234439-C-T.
Other names: short protein forms S331F.
Identifiers: ClinVar variation 4996030 (VCV004996030.1).
Genomic context (GRCh38, chr1:2,303,000, plus strand): 5'-GAACCACAGGTGCCAACAAAACCTTTCATTGATCGCAGGTCTCCTCTGAGCCTCCGGCCT[C>T]CATAAGACCCAAAACAGATGACACCTCTTCCCAGTCCCCCGCGCCTTCCGAAAAGGACAA-3'
Protein context (NP_003027.1, residues 321-341): VPRVSSEPPA[Ser331Phe]IRPKTDDTSS